The following is an entry in ClinVar:

ClinVar aggregate classification (germline): Uncertain significance (1 of 4 stars; one submission).

Conditions:
Cardiovascular phenotype. Identifiers: MedGen CN230736.
Hereditary cancer-predisposing syndrome. Also called: Hereditary neoplastic syndrome; Neoplastic Syndromes, Hereditary; Tumor predisposition; Hereditary Cancer Syndrome. Identifiers: Orphanet 140162, MedGen C0027672, MeSH D009386, MONDO:0015356.

Submission:

Ambry Genetics
Classification: Uncertain significance for Cardiovascular phenotype; Hereditary cancer-predisposing syndrome. Last evaluated: 2025-09-06. Review status: criteria provided, single submitter. Criteria: Ambry Variant Classification Scheme 2023. Collection method: clinical testing. Allele origin: germline.
Comment: The p.N335H variant (also known as c.1003A>C), located in coding exon 9 of the NF1 gene, results from an A to C substitution at nucleotide position 1003. The asparagine at codon 335 is replaced by histidine, an amino acid with similar properties. This amino acid position is conserved. In addition, this alteration is predicted to be tolerated by in silico analysis. Based on the available evidence, the clinical significance of this variant remains unclear.

NM_001042492.3(NF1):c.1003A>C (p.Asn335His)

Gene: NF1 (neurofibromin 1; plus strand). Cytogenetic location: 17q11.2.
Variant type: single nucleotide variant.
Coding change: c.1003A>C on transcript NM_001042492.3 (MANE Select); coding-DNA position 1003, A replaced by C.
Protein change: p.Asn335His; replaces asparagine 335 with histidine.
Molecular consequence: missense variant.
Genome position (GRCh38, 1-based): chr17:31,200,536, A>C. VCF-style: chr17-31200536-A-C. GRCh37 (hg19) VCF-style: chr17-29527554-A-C.
Other names: c.1003A>C, p.Asn335His (NM_000267.4, NM_001128147.3); short protein forms N335H.
Identifiers: ClinVar variation 4119186 (VCV004119186.1).